The following is an entry in ClinVar:

ClinVar aggregate classification (germline): Pathogenic. Review status: criteria provided, multiple submitters, no conflicts (2 of 4 stars). 3 submissions from 3 submitters: Pathogenic (3). Last evaluated 2022-09-01.

Conditions:
CACNA1F-related disorder. Also called: CACNA1F-related condition.

Submissions (3):

Blueprint Genetics
Classification: Pathogenic for CACNA1F-related disorders. Last evaluated: 2022-09-01. Review status: criteria provided, single submitter. Criteria: ACMG Guidelines, 2015. Collection method: clinical testing. Allele origin: germline. Affected: yes. Observed: 1 variant allele.

Labcorp Genetics (formerly Invitae), Labcorp
Classification: Pathogenic. Last evaluated: 2021-05-09. Review status: criteria provided, single submitter. Criteria: Invitae Variant Classification Sherloc (09022015). Collection method: clinical testing. Allele origin: germline.
Comment: This sequence change creates a premature translational stop signal (p.Lys92Asnfs*9) in the CACNA1F gene. It is expected to result in an absent or disrupted protein product. Loss-of-function variants in CACNA1F are known to be pathogenic (PMID: 9662399, 11281458, 17525176, 22194652, 24124559, 26992781). This variant is not present in population databases (ExAC no frequency). This variant has not been reported in the literature in individuals with CACNA1F-related conditions. ClinVar contains an entry for this variant (Variation ID: 280239). For these reasons, this variant has been classified as Pathogenic.

GeneDx
Classification: Pathogenic. Last evaluated: 2015-12-30. Review status: criteria provided, single submitter. Criteria: GeneDx Variant Classification (06012015). Collection method: clinical testing. Allele origin: germline. Affected: yes.
Comment: The c.276delG pathogenic variant in the CACNA1F gene causes a frameshift starting with codon Lysine 92, changes this amino acid to an Asparagine residue and creates a premature Stop codon at position 9 of the new reading frame, denoted p.Lys92AsnfsX9. This variant is predicted to cause loss of normal protein function either through protein truncation or nonsense-mediated mRNA decay.

Literature cited by the submitters: PubMed 9662399 (cited by Labcorp Genetics (formerly Invitae), Labcorp); PubMed 11281458 (cited by Labcorp Genetics (formerly Invitae), Labcorp); PubMed 17525176 (cited by Labcorp Genetics (formerly Invitae), Labcorp); PubMed 22194652 (cited by Labcorp Genetics (formerly Invitae), Labcorp); PubMed 24124559 (cited by Labcorp Genetics (formerly Invitae), Labcorp); PubMed 26992781 (cited by Labcorp Genetics (formerly Invitae), Labcorp).

NM_005183.2(CACNA1F):c.276delG

Gene: CACNA1F (calcium voltage-gated channel subunit alpha1 F; minus strand). Cytogenetic location: Xp11.23.
Variant type: Deletion.
Coding change: c.276delG on transcript NM_005183.2; coding-DNA position 276, one base deleted (G).
Genome position (GRCh38, 1-based): chrX:49,231,307, C deleted on the plus strand (G on the coding strand, the reverse complement: CACNA1F is on the minus strand); the first of 2 consecutive C bases (chrX:49,231,307-49,231,308); deleting either gives the same sequence. VCF-style (leftmost placement, unchanged base first): chrX-49231306-GC-G. GRCh37 (hg19) VCF-style: chrX-49087768-GC-G.
Identifiers: ClinVar variation 280239 (VCV000280239.10), dbSNP rs886041479, ClinGen allele CA10603606.